The following is an entry in ClinVar:

NM_020989.4(CRYGC):c.52G>A (p.Glu18Lys)

Genes: CRYGC (crystallin gamma C; minus strand), LOC100507443 (uncharacterized LOC100507443; plus strand). Cytogenetic location: 2q33.3.
Variant type: single nucleotide variant.
Coding change: c.52G>A on transcript NM_020989.4 (MANE Select); coding-DNA position 52, G replaced by A.
Protein change: p.Glu18Lys; replaces glutamic acid 18 with lysine.
Molecular consequence: missense variant.
Genome position (GRCh38, 1-based): chr2:208,129,641, C>T on the plus strand (G>A on the coding strand, the complement: CRYGC is on the minus strand). VCF-style: chr2-208129641-C-T. GRCh37 (hg19) VCF-style: chr2-208994365-C-T.
Other names: short protein forms E18K.
Identifiers: ClinVar variation 948380 (VCV000948380.11), dbSNP rs145041511, ClinGen allele CA2077964.

ClinVar aggregate classification (germline): Uncertain significance. Review status: criteria provided, multiple submitters, no conflicts (2 of 4 stars). 2 submissions from 2 submitters: Uncertain significance (2). Last evaluated 2024-06-09.

Conditions:
Cataract 2, multiple types (CTRCT2). Also called: CATARACT 2, ZONULAR PULVERULENT; CATARACT 2, MULTIPLE TYPES, WITH OR WITHOUT MICROCORNEA; CATARACT 2, NUCLEAR, WITH MICROCORNEA; CATARACT 2, NUCLEAR. Identifiers: Orphanet 91492, MedGen C4721890, MONDO:0100436, OMIM 604307.
Nuclear pulverulent cataract (CTRCT2). Identifiers: MedGen C1852438, HP:0010698.

Allele frequency attached by ClinVar (database versions not stated): gnomAD exomes 0.00006; ExAC 0.00007; TOPMed 0.00009; gnomAD 0.00010 and 0.00011; ESP Exome Variant Server 0.00023.
gnomAD v4.1: 102 of 1,614,142 alleles (0.0063%); highest among the groups gnomAD compares: Middle Eastern, 0.016%; no homozygotes.

Submissions (2):

Labcorp Genetics (formerly Invitae), Labcorp
Classification: Uncertain significance for Nuclear pulverulent cataract. Last evaluated: 2024-06-09. Review status: criteria provided, single submitter. Criteria: Invitae Variant Classification Sherloc (09022015). Collection method: clinical testing. Allele origin: germline.
Comment: This sequence change replaces glutamic acid, which is acidic and polar, with lysine, which is basic and polar, at codon 18 of the CRYGC protein (p.Glu18Lys). This variant is present in population databases (rs145041511, gnomAD 0.009%). This variant has not been reported in the literature in individuals affected with CRYGC-related conditions. ClinVar contains an entry for this variant (Variation ID: 948380). An algorithm developed to predict the effect of missense changes on protein structure and function (PolyPhen-2) suggests that this variant is likely to be disruptive. In summary, the available evidence is currently insufficient to determine the role of this variant in disease. Therefore, it has been classified as a Variant of Uncertain Significance.

Department of Pathology and Laboratory Medicine, Sinai Health System
Classification: Uncertain significance for cataract 2, multiple types. Last evaluated: 2021-10-18. Review status: criteria provided, single submitter. Criteria: ACMG Guidelines, 2015. Collection method: research. Allele origin: germline.